The following is an entry in ClinVar:

ClinVar aggregate classification (germline): Uncertain significance (1 of 4 stars; one submission).

Submission:

Ambry Genetics
Classification: Uncertain significance. Last evaluated: 2023-06-12. Review status: criteria provided, single submitter. Criteria: Ambry Variant Classification Scheme 2023. Collection method: clinical testing. Allele origin: germline.
Comment: The p.Q95E variant (also known as c.283C>G), located in coding exon 4 of the NPAT gene, results from a C to G substitution at nucleotide position 283. The glutamine at codon 95 is replaced by glutamic acid, an amino acid with highly similar properties. This amino acid position is conserved. In addition, the in silico prediction for this alteration is inconclusive. Since supporting evidence is limited at this time, the clinical significance of this alteration remains unclear.

NM_002519.3(NPAT):c.283C>G (p.Gln95Glu)

Gene: NPAT (nuclear protein, coactivator of histone transcription; minus strand). Cytogenetic location: 11q22.3.
Variant type: single nucleotide variant.
Coding change: c.283C>G on transcript NM_002519.3 (MANE Select); coding-DNA position 283, C replaced by G.
Protein change: p.Gln95Glu; replaces glutamine 95 with glutamic acid.
Molecular consequence: missense variant.
Genome position (GRCh38, 1-based): chr11:108,192,125, G>C on the plus strand (C>G on the coding strand, the complement: NPAT is on the minus strand). VCF-style: chr11-108192125-G-C. GRCh37 (hg19) VCF-style: chr11-108062852-G-C.
Other names: c.283C>G, p.Gln95Glu (NM_001321307.1); short protein forms Q95E.
Identifiers: ClinVar variation 2568035 (VCV002568035.2), dbSNP rs2496751247, ClinGen allele CA382526517.